The following is an entry in ClinVar:

ClinVar aggregate classification (germline): Pathogenic/Likely pathogenic. Review status: criteria provided, multiple submitters, no conflicts (2 of 4 stars). 11 submissions from 10 submitters: Pathogenic (5); Likely pathogenic (5). 1 of the submissions does not count toward it. Last evaluated 2025-12-17.

Conditions:
Usher syndrome type 2A. Also called: RETINAL DISEASE IN USHER SYNDROME TYPE IIA, MODIFIER OF; USHER SYNDROME, TYPE IIA. Identifiers: Orphanet 231178, Orphanet 886, MedGen C1848634, MONDO:0010169, OMIM 276901.
Retinitis pigmentosa 39 (RP39). Identifiers: Orphanet 791, MedGen C3151138, MONDO:0013436, OMIM 613809.
USH2A-related disorder. Also called: USH2A-related condition; USH2A-related disorders. Identifiers: MedGen CN239332.

Allele frequency attached by ClinVar (database versions not stated): gnomAD exomes below 0.00001 and 0.00001; TOPMed below 0.00001; gnomAD 0.00001.
gnomAD v4.1: 3 of 1,613,214 alleles (0.00019%); highest among the groups gnomAD compares: East Asian, 0.0045%; no homozygotes.

Submissions (11):

Labcorp Genetics (formerly Invitae), Labcorp
Classification: Pathogenic. Last evaluated: 2025-12-17. Review status: criteria provided, single submitter. Criteria: Invitae Variant Classification Sherloc (09022015). Collection method: clinical testing. Allele origin: germline.
Comment: This sequence change replaces tryptophan, which is neutral and slightly polar, with cysteine, which is neutral and slightly polar, at codon 2744 of the USH2A protein (p.Trp2744Cys). This variant is present in population databases (no rsID available, gnomAD 0.006%). This missense change has been observed in individual(s) with Usher syndrome (PMID: 21686329, 26338283, 29625443, 29641573). In at least one individual the data is consistent with being in trans (on the opposite chromosome) from a pathogenic variant. ClinVar contains an entry for this variant (Variation ID: 848662). Invitae Evidence Modeling of protein sequence and biophysical properties (such as structural, functional, and spatial information, amino acid conservation, physicochemical variation, residue mobility, and thermodynamic stability) indicates that this missense variant is expected to disrupt USH2A protein function with a positive predictive value of 95%. For these reasons, this variant has been classified as Pathogenic.

CeGaT Center for Human Genetics Tuebingen
Classification: Pathogenic. Last evaluated: 2025-11-01. Review status: criteria provided, single submitter. Criteria: CeGaT Center For Human Genetics Tuebingen Variant Classification Criteria Version 2. Collection method: clinical testing. Allele origin: germline. Affected: yes. Observed: 2 variant alleles.
Comment: USH2A: PM3:Very Strong, PM2

SingHealth Duke-NUS Institute of Precision Medicine
Classification: Likely pathogenic for Retinitis pigmentosa 39. Last evaluated: 2025-02-05. Review status: criteria provided, single submitter. Criteria: PRISM ACMG Classification Criteria. Collection method: clinical testing. Allele origin: germline. Affected: yes.
Comment: Another variant with the same amino acid change has been classified as pathogenic/likely pathogenic (PS1, c.8232G>T). Variant is located in a mutational hotspot where >50% of variants are pathogenic (PM1). Variant is not found in gnomAD exomes or genomes (PM2). REVEL score is 0.651 (PP3)

Fulgent Genetics
Classification: Pathogenic for Usher syndrome type 2A; Retinitis pigmentosa 39. Last evaluated: 2024-06-07. Review status: criteria provided, single submitter. Criteria: ACMG Guidelines, 2015. Collection method: clinical testing. Allele origin: germline.

Natera, Inc.
Classification: Pathogenic for Usher syndrome type 2A. Last evaluated: 2024-06-03. Review status: criteria provided, single submitter. Criteria: Natera Variant Classification Schema (03/2026). Collection method: clinical testing. Allele origin: germline.
Comment: The c.8232G>C variant in USH2A is a missense variant predicted to cause substitution of tryptophan to cysteine at amino acid 2744. This variant is rare in the general population with a frequency below the threshold expected for the associated phenotype(s). This variant has been observed in one or more individuals affected with the associated recessive disease, as either homozygous or compound heterozygous with a second variant (PMID: 32675063). Additionally, this variant has been observed to segregate in affected family members (PMID: 32675063). Computational prediction algorithms indicate this variant is likely to affect gene or protein function. Given the available evidence, this variant is classified as Pathogenic.

Genome-Nilou Lab
Classification: Likely pathogenic for Retinitis pigmentosa 39. Last evaluated: 2023-11-04. Review status: criteria provided, single submitter. Criteria: ACMG Guidelines, 2015. Collection method: clinical testing. Allele origin: germline. Affected: no.

Genome-Nilou Lab
Classification: Likely pathogenic for Usher syndrome type 2A. Last evaluated: 2023-11-04. Review status: criteria provided, single submitter. Criteria: ACMG Guidelines, 2015. Collection method: clinical testing. Allele origin: germline. Affected: no.

Blueprint Genetics
Classification: Pathogenic for USH2A-related disorders. Last evaluated: 2023-07-20. Review status: criteria provided, single submitter. Criteria: ACMG Guidelines, 2015. Collection method: clinical testing. Allele origin: germline. Affected: yes. Observed: 5 variant alleles.

Revvity Omics, Revvity
Classification: Likely pathogenic. Last evaluated: 2020-11-03. Review status: criteria provided, single submitter. Criteria: ACMG Guidelines, 2015. Collection method: clinical testing. Allele origin: germline.

Juno Genomics, Hangzhou Juno Genomics, Inc
Classification: Likely pathogenic for Retinitis pigmentosa 39; Usher syndrome type 2A. Review status: criteria provided, single submitter. Criteria: ACMG Guidelines, 2015. Collection method: clinical testing. Allele origin: germline.
Comment: Absent from controls (or at extremely low frequency if recessive) in Genome Aggregation Database.;Multiple lines of computational evidence support a deleterious effect on the gene or gene product.;For recessive disorders, detected in trans with a pathogenic variant.;Patient's phenotype or family history is highly specific for a disease with a single genetic etiology.

PreventionGenetics, part of Exact Sciences
Classification: Pathogenic for USH2A-related condition. Last evaluated: 2024-01-02. Review status: no assertion criteria provided. Collection method: clinical testing. Allele origin: germline. Not counted in ClinVar's aggregate classification.
Comment: The USH2A c.8232G>C variant is predicted to result in the amino acid substitution p.Trp2744Cys. This variant was reported in the compound heterozygous and homozygous states in multiple individuals with retinitis pigmentosa or Usher syndrome (Xu. 2011. PubMed ID: 21686329; Gao. 2021. PubMed ID: 32188678; Table S5, Huang. 2018. PubMed ID: 29641573; Sun. 2020. PubMed ID: 32100970). This variant is reported in 0.0055% of alleles in individuals of East Asian descent in gnomAD. This variant is interpreted as pathogenic.

Literature cited by the submitters: PubMed 21686329 (cited by Labcorp Genetics (formerly Invitae), Labcorp); PubMed 26338283 (cited by Labcorp Genetics (formerly Invitae), Labcorp); PubMed 29625443 (cited by Labcorp Genetics (formerly Invitae), Labcorp); PubMed 29641573 (cited by Labcorp Genetics (formerly Invitae), Labcorp); PubMed 32675063 (cited by Natera, Inc.).

NM_206933.4(USH2A):c.8232G>C (p.Trp2744Cys)

Gene: USH2A (usherin; minus strand). Cytogenetic location: 1q41.
Variant type: single nucleotide variant.
Coding change: c.8232G>C on transcript NM_206933.4 (MANE Select); coding-DNA position 8232, G replaced by C.
Protein change: p.Trp2744Cys; replaces tryptophan 2744 with cysteine.
Molecular consequence: missense variant.
Genome position (GRCh38, 1-based): chr1:215,879,090, C>G on the plus strand (G>C on the coding strand, the complement: USH2A is on the minus strand). VCF-style: chr1-215879090-C-G. GRCh37 (hg19) VCF-style: chr1-216052432-C-G.
Other names: short protein forms W2744C.
Identifiers: ClinVar variation 848662 (VCV000848662.31), dbSNP rs1424639717, ClinGen allele CA344832781.